The following is an entry in ClinVar:

NM_000257.4(MYH7):c.202-14G>A

Gene: MYH7 (myosin heavy chain 7; minus strand). Cytogenetic location: 14q11.2.
Variant type: single nucleotide variant.
Coding change: c.202-14G>A on transcript NM_000257.4 (MANE Select); 14 bases into the intron before coding-DNA position 202, G replaced by A.
Molecular consequence: intron variant.
Genome position (GRCh38, 1-based): chr14:23,433,241, C>T on the plus strand (G>A on the coding strand, the complement: MYH7 is on the minus strand). VCF-style: chr14-23433241-C-T. GRCh37 (hg19) VCF-style: chr14-23902450-C-T.
Identifiers: ClinVar variation 2137127 (VCV002137127.5), dbSNP rs1322504935, ClinGen allele CA612938630.

ClinVar aggregate classification (germline): Uncertain significance. Review status: criteria provided, multiple submitters, no conflicts (2 of 4 stars). 2 submissions from 2 submitters: Uncertain significance (2). Last evaluated 2026-01-28.

Conditions:
Hypertrophic cardiomyopathy. Also called: HYPERTROPHIC MYOCARDIOPATHY. Identifiers: Orphanet 217569, MedGen C0007194, MeSH D002312, MONDO:0005045, HP:0001639.
Cardiomyopathy (CMYO). Also called: Cardiomyopathies. Identifiers: Orphanet 167848, MedGen C0878544, MONDO:0004994, HP:0001638. Inheritance: Various modes of inheritance.

Allele frequency attached by ClinVar (database versions not stated): gnomAD exomes 0.00001; TOPMed 0.00001.
gnomAD v4.1: 14 of 1,614,198 alleles (0.00087%); highest among the groups gnomAD compares: African/African-American, 0.0013%; no homozygotes.

Submissions (2):

Labcorp Genetics (formerly Invitae), Labcorp
Classification: Uncertain significance for Hypertrophic cardiomyopathy. Last evaluated: 2026-01-28. Review status: criteria provided, single submitter. Criteria: Invitae Variant Classification Sherloc (09022015). Collection method: clinical testing. Allele origin: germline.
Comment: This sequence change falls in intron 3 of the MYH7 gene. It does not directly change the encoded amino acid sequence of the MYH7 protein. This variant is present in population databases (no rsID available, gnomAD 0.0009%). This variant has not been reported in the literature in individuals affected with MYH7-related conditions. ClinVar contains an entry for this variant (Variation ID: 2137127). Algorithms developed to predict the effect of sequence changes on RNA splicing suggest that this variant may disrupt the consensus splice site. In summary, the available evidence is currently insufficient to determine the role of this variant in disease. Therefore, it has been classified as a Variant of Uncertain Significance.

Color Diagnostics, LLC DBA Color Health
Classification: Uncertain significance for Cardiomyopathy. Last evaluated: 2024-02-13. Review status: criteria provided, single submitter. Criteria: ACMG Guidelines, 2015. Collection method: clinical testing. Allele origin: germline.
Comment: This variant causes a G to A nucleotide substitution at the -14 position of intron 3 of the MYH7 gene. Splice site prediction tools predict that this variant may have a significant impact on RNA splicing. To our knowledge, RNA studies have not been reported for this variant. This variant has not been reported in individuals affected with MYH7-related disorders in the literature. This variant has been identified in 1/250962 chromosomes in the general population by the Genome Aggregation Database (gnomAD). The available evidence is insufficient to determine the role of this variant in disease conclusively. Therefore, this variant is classified as a Variant of Uncertain Significance.